The following is an entry in ClinVar:

ClinVar aggregate classification (germline): Uncertain significance. Review status: criteria provided, multiple submitters, no conflicts (2 of 4 stars). 2 submissions from 2 submitters: Uncertain significance (2). Last evaluated 2025-11-03.

Conditions:
Inborn genetic diseases. Identifiers: MedGen C0950123, MeSH D030342.

Allele frequency attached by ClinVar (database versions not stated): 1000 Genomes Project 30x 0.00016.
gnomAD v4.1: 11 of 1,612,608 alleles (0.00068%); highest among the groups gnomAD compares: South Asian, 0.011%; no homozygotes.

Submissions (2):

Ambry Genetics
Classification: Uncertain significance for Inborn genetic diseases. Last evaluated: 2025-11-03. Review status: criteria provided, single submitter. Criteria: Ambry Variant Classification Scheme 2023. Collection method: clinical testing. Allele origin: germline.

Labcorp Genetics (formerly Invitae), Labcorp
Classification: Uncertain significance. Last evaluated: 2022-07-04. Review status: criteria provided, single submitter. Criteria: Invitae Variant Classification Sherloc (09022015). Collection method: clinical testing. Allele origin: germline.
Comment: In summary, the available evidence is currently insufficient to determine the role of this variant in disease. Therefore, it has been classified as a Variant of Uncertain Significance. Algorithms developed to predict the effect of missense changes on protein structure and function are either unavailable or do not agree on the potential impact of this missense change (SIFT: "Tolerated"; PolyPhen-2: "Possibly Damaging"; Align-GVGD: "Class C0"). This variant has not been reported in the literature in individuals affected with PYROXD1-related conditions. This variant is present in population databases (rs149739786, gnomAD 0.007%). This sequence change replaces histidine, which is basic and polar, with glutamine, which is neutral and polar, at codon 105 of the PYROXD1 protein (p.His105Gln).

NM_024854.5(PYROXD1):c.315C>A (p.His105Gln)

Gene: PYROXD1 (pyridine nucleotide-disulphide oxidoreductase domain 1; plus strand). Cytogenetic location: 12p12.1.
Variant type: single nucleotide variant.
Coding change: c.315C>A on transcript NM_024854.5 (MANE Select); coding-DNA position 315, C replaced by A.
Protein change: p.His105Gln; replaces histidine 105 with glutamine.
Molecular consequence: missense variant. On other transcripts: 5 prime UTR variant (1).
Genome position (GRCh38, 1-based): chr12:21,449,592, C>A. VCF-style: chr12-21449592-C-A. GRCh37 (hg19) VCF-style: chr12-21602526-C-A.
Other names: c.315C>A (NM_024854.3); c.102C>A, p.His34Gln (NM_001350912.2); c.-389C>A (NM_001350913.2); short protein forms H34Q, H105Q.
Identifiers: ClinVar variation 1934185 (VCV001934185.6), dbSNP rs149739786, ClinGen allele CA6478171.